The following is an entry in ClinVar:

NM_020458.4(TTC7A):c.1919+10C>T

Gene: TTC7A (tetratricopeptide repeat domain 7A; plus strand). Cytogenetic location: 2p21.
Variant type: single nucleotide variant.
Coding change: c.1919+10C>T on transcript NM_020458.4 (MANE Select); 10 bases into the intron after coding-DNA position 1919, C replaced by T.
Molecular consequence: intron variant.
Genome position (GRCh38, 1-based): chr2:47,046,441, C>T. VCF-style: chr2-47046441-C-T. GRCh37 (hg19) VCF-style: chr2-47273580-C-T.
Other names: c.1817+10C>T (NM_001288953.2); c.1919+10C>T (NM_001288951.2); c.857+10C>T (NM_001288955.2).
Identifiers: ClinVar variation 790904 (VCV000790904.15), dbSNP rs201704252, ClinGen allele CA1647904.

ClinVar aggregate classification (germline): Likely benign. Review status: criteria provided, multiple submitters, no conflicts (2 of 4 stars). 4 submissions from 4 submitters: Likely benign (4). Last evaluated 2026-01-19.

Conditions:
Multiple gastrointestinal atresias. Also called: FAMILIAL INTESTINAL POLYATRESIA SYNDROME; Multiple intestinal atresia. Identifiers: Orphanet 2300, MedGen C0220744, MONDO:0009465.

Allele frequency attached by ClinVar (database versions not stated): gnomAD 0.00011; ExAC 0.00012; TOPMed 0.00014.
gnomAD v4.1: 215 of 1,609,648 alleles (0.013%); highest among the groups gnomAD compares: Middle Eastern, 0.41%; 1 homozygote.

Submissions (4):

Labcorp Genetics (formerly Invitae), Labcorp
Classification: Likely benign for Multiple gastrointestinal atresias. Last evaluated: 2026-01-19. Review status: criteria provided, single submitter. Criteria: Invitae Variant Classification Sherloc (09022015). Collection method: clinical testing. Allele origin: germline.

Blueprint Genetics
Classification: Likely benign. Last evaluated: 2024-11-26. Review status: criteria provided, single submitter. Criteria: ACMG Guidelines, 2015. Collection method: clinical testing. Allele origin: germline.

Dubai Health Genomic Medicine Center, Dubai Health
Classification: Likely benign for Gastrointestinal defects and immunodeficiency syndrome 1. Last evaluated: 2021-03-22. Review status: criteria provided, single submitter. Criteria: ACMG Guidelines, 2015. Collection method: clinical testing. Allele origin: germline. Affected: yes.
Comment: Relatively rare but outside splice consensus sequence and not predicted to alter splicing.

Breakthrough Genomics
Classification: Likely benign. Review status: criteria provided, single submitter. Criteria: ACMG Guidelines, 2015. Collection method: not provided. Allele origin: germline. Inheritance: Autosomal recessive inheritance. Affected: yes.